The following is an entry in ClinVar:

ClinVar aggregate classification (germline): Pathogenic. Review status: criteria provided, multiple submitters, no conflicts (2 of 4 stars). 3 submissions from 3 submitters: Pathogenic (3). Last evaluated 2025-08-14.

Conditions:
Autoimmune lymphoproliferative syndrome type 1. Also called: AUTOIMMUNE LYMPHOPROLIFERATIVE SYNDROME, TYPE I, AUTOSOMAL DOMINANT. Identifiers: Orphanet 3261, MedGen C2717884, MONDO:0011158, OMIM 601859.
FAS-related disorder. Also called: FAS-related condition.

Submissions (3):

Mayo Clinic Laboratories, Mayo Clinic
Classification: Pathogenic. Last evaluated: 2025-08-14. Review status: criteria provided, single submitter. Criteria: ACMG Guidelines, 2015. Collection method: clinical testing. Allele origin: germline. Observed: 1 variant allele.
Comment: PM2_supporting, PS4_supporting, PVS1

Labcorp Genetics (formerly Invitae), Labcorp
Classification: Pathogenic for Autoimmune lymphoproliferative syndrome. Last evaluated: 2024-01-25. Review status: criteria provided, single submitter. Criteria: Invitae Variant Classification Sherloc (09022015). Collection method: clinical testing. Allele origin: germline.
Comment: This sequence change creates a premature translational stop signal (p.Trp176*) in the FAS gene. It is expected to result in an absent or disrupted protein product. Loss-of-function variants in FAS are known to be pathogenic (PMID: 10875918, 22237435). This variant is not present in population databases (gnomAD no frequency). This premature translational stop signal has been observed in individual(s) with autoimmune lymphoproliferative syndrome (PMID: 22237435). ClinVar contains an entry for this variant (Variation ID: 1457614). For these reasons, this variant has been classified as Pathogenic.

PreventionGenetics, part of Exact Sciences
Classification: Pathogenic for FAS-related condition. Last evaluated: 2022-09-07. Review status: criteria provided, single submitter. Criteria: ACMG Guidelines, 2015. Collection method: clinical testing. Allele origin: germline.
Comment: The FAS c.528G>A variant is predicted to result in premature protein termination (p.Trp176*). This variant was reported in an individual with autoimmune lymphoproliferative syndrome (Hsu et al. 2011 Table 1 PubMed ID: 22237435). In vitro functional studies show that this variant results in reduced expression of a truncated protein that did not anchor on the cell surface (Kuehn et al. 2011 PubMed ID: 21490157). This variant has not been reported in a large population database, indicating this variant is rare. Nonsense variants in FAS are expected to be pathogenic. This variant is interpreted as pathogenic.

Literature cited by the submitters: PubMed 21490157 (cited by Mayo Clinic Laboratories, Mayo Clinic); PubMed 22237435 (cited by Mayo Clinic Laboratories, Mayo Clinic and Labcorp Genetics (formerly Invitae), Labcorp); PubMed 10875918 (cited by Labcorp Genetics (formerly Invitae), Labcorp).

NM_000043.6(FAS):c.528G>A (p.Trp176Ter)

Gene: FAS (Fas cell surface death receptor; plus strand). Cytogenetic location: 10q23.31.
Variant type: single nucleotide variant.
Coding change: c.528G>A on transcript NM_000043.6 (MANE Select); coding-DNA position 528, G replaced by A.
Protein change: p.Trp176Ter; replaces tryptophan 176 with a stop codon.
Molecular consequence: nonsense. On other transcripts: non-coding transcript variant (5), intron variant (1).
Genome position (GRCh38, 1-based): chr10:89,010,775, G>A. VCF-style: chr10-89010775-G-A. GRCh37 (hg19) VCF-style: chr10-90770532-G-A.
Other names: p.Trp176*; c.528G>A, p.Trp176Ter (NM_001320619.2, NM_152872.4); c.505+175G>A (NM_152871.4); c.528G>A (NM_000043.5); short protein forms W176*.
Identifiers: ClinVar variation 1457614 (VCV001457614.9), dbSNP rs866771343, ClinGen allele CA211331557.
Genomic context (GRCh38, chr10:89,010,775, plus strand): 5'-TTATTTTCATATAAAATGTCCAATGTTCCAACCTACAGGATCCAGATCTAACTTGGGGTG[G>A]CTTTGTCTTCTTCTTTTGCCAATTCCACTAATTGTTTGGGGTAAGTTCTTGCTTTGTTCA-3'